The following is an entry in ClinVar:

NM_145038.5(DRC1):c.1622A>G (p.Asp541Gly)

Gene: DRC1 (dynein regulatory complex subunit 1; plus strand). Cytogenetic location: 2p23.3.
Variant type: single nucleotide variant.
Coding change: c.1622A>G on transcript NM_145038.5 (MANE Select); coding-DNA position 1622, A replaced by G.
Protein change: p.Asp541Gly; replaces aspartic acid 541 with glycine.
Molecular consequence: missense variant.
Genome position (GRCh38, 1-based): chr2:26,450,614, A>G. VCF-style: chr2-26450614-A-G. GRCh37 (hg19) VCF-style: chr2-26673482-A-G.
Other names: short protein forms D541G.
Identifiers: ClinVar variation 407104 (VCV000407104.7), dbSNP rs760087399, ClinGen allele CA1562346.

ClinVar aggregate classification (germline): Uncertain significance. Review status: criteria provided, multiple submitters, no conflicts (2 of 4 stars). 2 submissions from 2 submitters: Uncertain significance (2). Last evaluated 2023-06-14.

Conditions:
Primary ciliary dyskinesia. Also called: Ciliary dyskinesia. Identifiers: Orphanet 244, MedGen C0008780, MONDO:0016575, HP:0012265.

Allele frequency attached by ClinVar (database versions not stated): gnomAD 0.00001 and 0.00003; gnomAD exomes 0.00005 and 0.00011; TOPMed 0.00006; ExAC 0.00009.
gnomAD v4.1: 76 of 1,612,106 alleles (0.0047%); highest among the groups gnomAD compares: East Asian, 0.17%; no homozygotes.

Submissions (2):

GeneDx
Classification: Uncertain significance. Last evaluated: 2023-06-14. Review status: criteria provided, single submitter. Criteria: GeneDx Variant Classification Process June 2021. Collection method: clinical testing. Allele origin: germline. Affected: yes.
Comment: Reported with a second DRC1 variant on the opposite allele (in trans) in a patient with coronary artery fistulas with multiple collateral arteries (Su et al., 2022); In silico analysis supports that this missense variant has a deleterious effect on protein structure/function; This variant is associated with the following publications: (PMID: 35872895)

Labcorp Genetics (formerly Invitae), Labcorp
Classification: Uncertain significance for Primary ciliary dyskinesia. Last evaluated: 2021-09-02. Review status: criteria provided, single submitter. Criteria: Invitae Variant Classification Sherloc (09022015). Collection method: clinical testing. Allele origin: germline.
Comment: This sequence change replaces aspartic acid with glycine at codon 541 of the DRC1 protein (p.Asp541Gly). The aspartic acid residue is moderately conserved and there is a moderate physicochemical difference between aspartic acid and glycine. This variant is present in population databases (rs760087399, ExAC 0.1%). This variant has not been reported in the literature in individuals affected with DRC1-related conditions. Algorithms developed to predict the effect of missense changes on protein structure and function are either unavailable or do not agree on the potential impact of this missense change (SIFT: "Tolerated"; PolyPhen-2: "Possibly Damaging"; Align-GVGD: "Class C0"). Algorithms developed to predict the effect of sequence changes on RNA splicing suggest that this variant may create or strengthen a splice site. In summary, the available evidence is currently insufficient to determine the role of this variant in disease. Therefore, it has been classified as a Variant of Uncertain Significance.